The following is an entry in ClinVar:

NM_002691.4(POLD1):c.1525G>A (p.Ala509Thr)

Gene: POLD1 (DNA polymerase delta 1, catalytic subunit; plus strand). Cytogenetic location: 19q13.33.
Variant type: single nucleotide variant.
Coding change: c.1525G>A on transcript NM_002691.4 (MANE Select); coding-DNA position 1525, G replaced by A.
Protein change: p.Ala509Thr; replaces alanine 509 with threonine.
Molecular consequence: missense variant. On other transcripts: non-coding transcript variant (1).
Genome position (GRCh38, 1-based): chr19:50,407,013, G>A. VCF-style: chr19-50407013-G-A. GRCh37 (hg19) VCF-style: chr19-50910270-G-A.
Other names: c.1525G>A, p.Ala509Thr (NM_001256849.1, NM_001308632.1, NM_001438210.1 and 3 more transcripts); short protein forms A509T.
Identifiers: ClinVar variation 4735387 (VCV004735387.1).

ClinVar aggregate classification (germline): Uncertain significance (1 of 4 stars; one submission).

Conditions:
POLD1-related polyposis and colorectal cancer syndrome (CRCS10). Also called: COLORECTAL CANCER, SUSCEPTIBILITY TO, ON CHROMOSOME 19q; Colorectal cancer 10; Colorectal cancer, susceptibility to, 10. Identifiers: Orphanet 220460, MedGen C2675481, MONDO:0012953, OMIM 612591.

Submission:

Labcorp Genetics (formerly Invitae), Labcorp
Classification: Uncertain significance for POLD1-related polyposis and colorectal cancer syndrome. Last evaluated: 2025-02-17. Review status: criteria provided, single submitter. Criteria: Invitae Variant Classification Sherloc (09022015). Collection method: clinical testing. Allele origin: germline.
Comment: This sequence change replaces alanine, which is neutral and non-polar, with threonine, which is neutral and polar, at codon 509 of the POLD1 protein (p.Ala509Thr). This variant is not present in population databases (gnomAD no frequency). This variant has not been reported in the literature in individuals affected with POLD1-related conditions. Invitae Evidence Modeling of protein sequence and biophysical properties (such as structural, functional, and spatial information, amino acid conservation, physicochemical variation, residue mobility, and thermodynamic stability) indicates that this missense variant is expected to disrupt POLD1 protein function with a positive predictive value of 80%. In summary, the available evidence is currently insufficient to determine the role of this variant in disease. Therefore, it has been classified as a Variant of Uncertain Significance.